The following is an entry in ClinVar:

ClinVar aggregate classification (germline): Uncertain significance (1 of 4 stars; one submission).

Submission:

GeneDx
Classification: Uncertain significance. Last evaluated: 2024-12-20. Review status: criteria provided, single submitter. Criteria: GeneDx Variant Classification Process June 2021. Collection method: clinical testing. Allele origin: germline. Affected: yes.
Comment: Not observed at significant frequency in large population cohorts (gnomAD); In silico analysis indicates that this missense variant does not alter protein structure/function; Has not been previously published as pathogenic or benign to our knowledge

NM_002500.5(NEUROD1):c.619C>G (p.Leu207Val)

Gene: NEUROD1 (neuronal differentiation 1; minus strand). Cytogenetic location: 2q31.3.
Variant type: single nucleotide variant.
Coding change: c.619C>G on transcript NM_002500.5 (MANE Select); coding-DNA position 619, C replaced by G.
Protein change: p.Leu207Val; replaces leucine 207 with valine.
Molecular consequence: missense variant.
Genome position (GRCh38, 1-based): chr2:181,678,242, G>C on the plus strand (C>G on the coding strand, the complement: NEUROD1 is on the minus strand). VCF-style: chr2-181678242-G-C. GRCh37 (hg19) VCF-style: chr2-182542969-G-C.
Other names: short protein forms L207V.
Identifiers: ClinVar variation 3907818 (VCV003907818.1).